The following is an entry in ClinVar:

NM_032520.5(GNPTG):c.685C>T (p.Gln229Ter)

Gene: GNPTG (N-acetylglucosamine-1-phosphate transferase subunit gamma; plus strand). Cytogenetic location: 16p13.3.
Variant type: single nucleotide variant.
Coding change: c.685C>T on transcript NM_032520.5 (MANE Select); coding-DNA position 685, C replaced by T.
Protein change: p.Gln229Ter; replaces glutamine 229 with a stop codon.
Molecular consequence: nonsense.
Genome position (GRCh38, 1-based): chr16:1,362,686, C>T. VCF-style: chr16-1362686-C-T. GRCh37 (hg19) VCF-style: chr16-1412687-C-T.
Other names: short protein forms Q229*.
Identifiers: ClinVar variation 1389901 (VCV001389901.6), dbSNP rs2141864128, ClinGen allele CA394188533.

ClinVar aggregate classification (germline): Pathogenic (1 of 4 stars; one submission).

Submission:

Labcorp Genetics (formerly Invitae), Labcorp
Classification: Pathogenic. Last evaluated: 2021-07-03. Review status: criteria provided, single submitter. Criteria: Invitae Variant Classification Sherloc (09022015). Collection method: clinical testing. Allele origin: germline.
Comment: This sequence change creates a premature translational stop signal (p.Gln229*) in the GNPTG gene. It is expected to result in an absent or disrupted protein product. Loss-of-function variants in GNPTG are known to be pathogenic (PMID: 19370764, 20301784). This variant is not present in population databases (ExAC no frequency). This variant has not been reported in the literature in individuals affected with GNPTG-related conditions. For these reasons, this variant has been classified as Pathogenic.

Literature cited by the submitters: PubMed 19370764; PubMed 20301784.